The following is an entry in ClinVar:

NM_182914.3(SYNE2):c.3152+5G>T

Gene: SYNE2 (spectrin repeat containing nuclear envelope protein 2; plus strand). Cytogenetic location: 14q23.2.
Variant type: single nucleotide variant.
Coding change: c.3152+5G>T on transcript NM_182914.3 (MANE Select); 5 bases into the intron after coding-DNA position 3152, G replaced by T.
Molecular consequence: intron variant.
Genome position (GRCh38, 1-based): chr14:63,997,163, G>T. VCF-style: chr14-63997163-G-T. GRCh37 (hg19) VCF-style: chr14-64463881-G-T.
Other names: c.3152+5G>T (NM_015180.6).
Identifiers: ClinVar variation 2803239 (VCV002803239.3), dbSNP rs2550947940, ClinGen allele CA2625195573.

ClinVar aggregate classification (germline): Uncertain significance (1 of 4 stars; one submission).

Conditions:
Emery-Dreifuss muscular dystrophy 5, autosomal dominant (EDMD5). Also called: EMERY-DREIFUSS MUSCULAR DYSTROPHY 5. Identifiers: Orphanet 261, MedGen C2751805, MONDO:0013072, OMIM 612999.

Allele frequency attached by ClinVar (database versions not stated): gnomAD exomes below 0.00001.
gnomAD v4.1: 2 of 1,612,972 alleles (0.00012%); highest among the groups gnomAD compares: Non-Finnish European, 0.00017%; no homozygotes.

Submission:

Labcorp Genetics (formerly Invitae), Labcorp
Classification: Uncertain significance for Emery-Dreifuss muscular dystrophy 5, autosomal dominant. Last evaluated: 2024-03-01. Review status: criteria provided, single submitter. Criteria: Invitae Variant Classification Sherloc (09022015). Collection method: clinical testing. Allele origin: germline.
Comment: This sequence change falls in intron 24 of the SYNE2 gene. It does not directly change the encoded amino acid sequence of the SYNE2 protein. It affects a nucleotide within the consensus splice site. This variant is not present in population databases (gnomAD no frequency). This variant has not been reported in the literature in individuals affected with SYNE2-related conditions. Variants that disrupt the consensus splice site are a relatively common cause of aberrant splicing (PMID: 17576681, 9536098). Algorithms developed to predict the effect of sequence changes on RNA splicing suggest that this variant may disrupt the consensus splice site. In summary, the available evidence is currently insufficient to determine the role of this variant in disease. Therefore, it has been classified as a Variant of Uncertain Significance.

Literature cited by the submitters: PubMed 17576681; PubMed 9536098.